The following is an entry in ClinVar:

NM_001015877.2(PHF6):c.865A>G (p.Thr289Ala)

Gene: PHF6 (PHD finger protein 6; plus strand). Cytogenetic location: Xq26.2.
Variant type: single nucleotide variant.
Coding change: c.865A>G on transcript NM_001015877.2 (MANE Select); coding-DNA position 865, A replaced by G.
Protein change: p.Thr289Ala; replaces threonine 289 with alanine.
Molecular consequence: missense variant.
Genome position (GRCh38, 1-based): chrX:134,417,199, A>G. VCF-style: chrX-134417199-A-G. GRCh37 (hg19) VCF-style: chrX-133551229-A-G.
Other names: c.865A>G (NM_032458.2); c.865A>G, p.Thr289Ala (NM_032458.3); short protein forms T289A.
Identifiers: ClinVar variation 1035315 (VCV001035315.11), dbSNP rs2077475371, ClinGen allele CA414707724.
Genomic context (GRCh38, chrX:134,417,199, plus strand): 5'-GCTTACGATTATTTCTCTTTCCTTATACAGAAATGTACACTTTGCAGTCAGCCTGGTGCT[A>G]CTATTGGATGTGAAATAAAAGCCTGTGTTAAGACTTACCATTACCACTGTGGAGTACAAG-3'
Protein context (NP_001015877.1, residues 279-299): KCTLCSQPGA[Thr289Ala]IGCEIKACVK

ClinVar aggregate classification (germline): Uncertain significance. Review status: criteria provided, multiple submitters, no conflicts (2 of 4 stars). 3 submissions from 3 submitters: Uncertain significance (3). Last evaluated 2023-01-18.

Conditions:
Inborn genetic diseases. Identifiers: MedGen C0950123, MeSH D030342.
Borjeson-Forssman-Lehmann syndrome (BFLS). Also called: MENTAL RETARDATION, X-LINKED, SYNDROMIC, BORJESON-FORSSMAN-LEHMANN TYPE; MENTAL RETARDATION, EPILEPSY, AND ENDOCRINE DISORDERS; BORJESON SYNDROME. Identifiers: Orphanet 127, MedGen C0265339, MONDO:0010537, OMIM 301900.

Submissions (3):

Ambry Genetics
Classification: Uncertain significance for Inborn genetic diseases. Last evaluated: 2023-01-18. Review status: criteria provided, single submitter. Criteria: Ambry Variant Classification Scheme 2023. Collection method: clinical testing. Allele origin: germline.

Labcorp Genetics (formerly Invitae), Labcorp
Classification: Uncertain significance for Borjeson-Forssman-Lehmann syndrome. Last evaluated: 2020-11-05. Review status: criteria provided, single submitter. Criteria: Invitae Variant Classification Sherloc (09022015). Collection method: clinical testing. Allele origin: germline.
Comment: This variant has not been reported in the literature in individuals with PHF6-related conditions. This variant is not present in population databases (ExAC no frequency). This sequence change replaces threonine with alanine at codon 289 of the PHF6 protein (p.Thr289Ala). The threonine residue is highly conserved and there is a small physicochemical difference between threonine and alanine. Algorithms developed to predict the effect of missense changes on protein structure and function are either unavailable or do not agree on the potential impact of this missense change (SIFT: "Deleterious"; PolyPhen-2: "Benign"; Align-GVGD: "Class C0"). In summary, the available evidence is currently insufficient to determine the role of this variant in disease. Therefore, it has been classified as a Variant of Uncertain Significance.

Blueprint Genetics
Classification: Uncertain significance. Last evaluated: 2018-11-26. Review status: criteria provided, single submitter. Criteria: ACMG Guidelines, 2015. Collection method: clinical testing. Allele origin: germline.